The following is an entry in ClinVar:

ClinVar aggregate classification (germline): Uncertain significance (1 of 4 stars; one submission).

Conditions:
Combined immunodeficiency due to OX40 deficiency. Also called: Immunodeficiency 16; OX40 DEFICIENCY. Identifiers: Orphanet 431149, MedGen C3810053, MONDO:0014268, OMIM 615593.

Submission:

Labcorp Genetics (formerly Invitae), Labcorp
Classification: Uncertain significance for Combined immunodeficiency due to OX40 deficiency. Last evaluated: 2025-07-13. Review status: criteria provided, single submitter. Criteria: Invitae Variant Classification Sherloc (09022015). Collection method: clinical testing. Allele origin: germline.
Comment: This sequence change replaces proline, which is neutral and non-polar, with threonine, which is neutral and polar, at codon 206 of the TNFRSF4 protein (p.Pro206Thr). This variant is not present in population databases (gnomAD no frequency). This variant has not been reported in the literature in individuals affected with TNFRSF4-related conditions. An algorithm developed to predict the effect of missense changes on protein structure and function outputs the following: PolyPhen-2: "Benign". The threonine amino acid residue is found in multiple mammalian species, which suggests that this missense change does not adversely affect protein function. In summary, the available evidence is currently insufficient to determine the role of this variant in disease. Therefore, it has been classified as a Variant of Uncertain Significance.

NM_003327.4(TNFRSF4):c.616C>A (p.Pro206Thr)

Gene: TNFRSF4 (TNF receptor superfamily member 4; minus strand). Cytogenetic location: 1p36.33.
Variant type: single nucleotide variant.
Coding change: c.616C>A on transcript NM_003327.4 (MANE Select); coding-DNA position 616, C replaced by A.
Protein change: p.Pro206Thr; replaces proline 206 with threonine.
Molecular consequence: missense variant.
Genome position (GRCh38, 1-based): chr1:1,211,960, G>T on the plus strand (C>A on the coding strand, the complement: TNFRSF4 is on the minus strand). VCF-style: chr1-1211960-G-T. GRCh37 (hg19) VCF-style: chr1-1147340-G-T.
Other names: c.616C>A, p.Pro206Thr (NM_001410709.1); short protein forms P206T.
Identifiers: ClinVar variation 4741260 (VCV004741260.1).